The following is an entry in ClinVar:

ClinVar aggregate classification (germline): Uncertain significance (1 of 4 stars; one submission).

Submission:

CeGaT Center for Human Genetics Tuebingen
Classification: Uncertain significance. Last evaluated: 2025-12-01. Review status: criteria provided, single submitter. Criteria: CeGaT Center For Human Genetics Tuebingen Variant Classification Criteria Version 2. Collection method: clinical testing. Allele origin: germline. Affected: yes. Observed: 1 variant allele.
Comment: KCNT1: PM2

NM_020822.3(KCNT1):c.3487C>T (p.Pro1163Ser)

Gene: KCNT1 (potassium sodium-activated channel subfamily T member 1; plus strand). Cytogenetic location: 9q34.3.
Variant type: single nucleotide variant.
Coding change: c.3487C>T on transcript NM_020822.3 (MANE Select); coding-DNA position 3487, C replaced by T.
Protein change: p.Pro1163Ser; replaces proline 1163 with serine.
Molecular consequence: missense variant.
Genome position (GRCh38, 1-based): chr9:135,786,506, C>T. VCF-style: chr9-135786506-C-T. GRCh37 (hg19) VCF-style: chr9-138678352-C-T.
Other names: c.3352C>T, p.Pro1118Ser (NM_001272003.2); short protein forms P1118S, P1163S.
Identifiers: ClinVar variation 4681940 (VCV004681940.5).